The following is an entry in ClinVar:

NM_006892.4(DNMT3B):c.2281G>C (p.Glu761Gln)

Gene: DNMT3B (DNA methyltransferase 3 beta; plus strand). Cytogenetic location: 20q11.21.
Variant type: single nucleotide variant.
Coding change: c.2281G>C on transcript NM_006892.4 (MANE Select); coding-DNA position 2281, G replaced by C.
Protein change: p.Glu761Gln; replaces glutamic acid 761 with glutamine.
Molecular consequence: missense variant. On other transcripts: intron variant (3).
Genome position (GRCh38, 1-based): chr20:32,805,387, G>C. VCF-style: chr20-32805387-G-C. GRCh37 (hg19) VCF-style: chr20-31393193-G-C.
Other names: c.2221G>C, p.Glu741Gln (NM_175848.2); c.2257G>C, p.Glu753Gln (NM_175850.3); c.2172-2375G>C (NM_175849.2); c.2046-2375G>C (NM_001207055.2); c.1944-2375G>C (NM_001207056.2); short protein forms E761Q, E753Q, E741Q.
Identifiers: ClinVar variation 572547 (VCV000572547.12), dbSNP rs767814649, ClinGen allele CA9810879.
Genomic context (GRCh38, chr20:32,805,387, plus strand): 5'-GCTGTTCCCAGGCCCGTGATAGCATCAAAGAATGATAAACTCGAGCTGCAGGACTGCTTG[G>C]AATACAATAGGATAGCCAAGGTAAGACGAGCTGTGGCCCTCTGGAAAAATGCACTTGGTG-3'
Protein context (NP_008823.1, residues 751-771): NDKLELQDCL[Glu761Gln]YNRIAKLKKV

ClinVar aggregate classification (germline): Conflicting classifications of pathogenicity. Review status: criteria provided, conflicting classifications (1 of 4 stars). 3 submissions from 3 submitters: Likely pathogenic (1); Uncertain significance (2). Last evaluated 2025-06-11.

Conditions:
Inborn genetic diseases. Identifiers: MedGen C0950123, MeSH D030342.
Centromeric instability of chromosomes 1,9 and 16 and immunodeficiency (ICF1). Also called: IMMUNE DEFICIENCY, VARIABLE, WITH CENTROMERIC INSTABILITY OF CHROMOSOMES 1, 9, AND 16; IMMUNODEFICIENCY SYNDROME, VARIABLE; CENTROMERIC INSTABILITY, IMMUNODEFICIENCY SYNDROME; Immunodeficiency-centromeric instability-facial anomalies. Identifiers: Orphanet 2268, MedGen C0398788, MONDO:0000133.

Allele frequency attached by ClinVar (database versions not stated): ExAC 0.00001; gnomAD 0.00001; gnomAD exomes 0.00001; TOPMed 0.00002.
gnomAD v4.1: 34 of 1,613,966 alleles (0.0021%); highest among the groups gnomAD compares: Non-Finnish European, 0.0027%; no homozygotes.

Submissions (3):

Women's Health and Genetics/Laboratory Corporation of America, LabCorp
Classification: Uncertain significance. Last evaluated: 2025-06-11. Review status: criteria provided, single submitter. Criteria: LabCorp Variant Classification Summary - May 2015. Collection method: clinical testing. Allele origin: germline.
Comment: Variant summary: DNMT3B c.2281G>C (p.Glu761Gln) results in a conservative amino acid change located in the C-5 cytosine-specific DNA methylase (Dnmt) domain of the encoded protein sequence. Algorithms developed to predict the effect of missense changes on protein structure and function are either unavailable or do not agree on the potential impact of this missense change. The variant allele was found at a frequency of 1.2e-05 in 251468 control chromosomes. The available data on variant occurrences in the general population are insufficient to allow any conclusion about variant significance. c.2281G>C has been reported in the literature in individuals affected with ICF Syndrome, Type 1 (Kellner_2019, Internal data). These data do not allow any conclusion about variant significance. To our knowledge, no experimental evidence demonstrating an impact on protein function has been reported. The following publication has been ascertained in the context of this evaluation (PMID: 31686314). ClinVar contains an entry for this variant (Variation ID: 572547). Based on the evidence outlined above, the variant was classified as uncertain significance.

Labcorp Genetics (formerly Invitae), Labcorp
Classification: Likely pathogenic for Centromeric instability of chromosomes 1,9 and 16 and immunodeficiency. Last evaluated: 2025-05-18. Review status: criteria provided, single submitter. Criteria: Invitae Variant Classification Sherloc (09022015). Collection method: clinical testing. Allele origin: germline.
Comment: This sequence change replaces glutamic acid, which is acidic and polar, with glutamine, which is neutral and polar, at codon 761 of the DNMT3B protein (p.Glu761Gln). This variant is present in population databases (rs767814649, gnomAD 0.003%). This missense change has been observed in individual(s) with clinical features of immunodeficiency, centromeric instability and facial anomalies (ICF) syndrome (PMID: 31686314; internal data). In at least one individual the data is consistent with being in trans (on the opposite chromosome) from a pathogenic variant. ClinVar contains an entry for this variant (Variation ID: 572547). Invitae Evidence Modeling of protein sequence and biophysical properties (such as structural, functional, and spatial information, amino acid conservation, physicochemical variation, residue mobility, and thermodynamic stability) has been performed for this missense variant. However, the output from this modeling did not meet the statistical confidence thresholds required to predict the impact of this variant on DNMT3B protein function. Algorithms developed to predict the effect of sequence changes on RNA splicing suggest that this variant may disrupt the consensus splice site. In summary, the currently available evidence indicates that the variant is pathogenic, but additional data are needed to prove that conclusively. Therefore, this variant has been classified as Likely Pathogenic.

Ambry Genetics
Classification: Uncertain significance for Inborn genetic diseases. Last evaluated: 2021-12-28. Review status: criteria provided, single submitter. Criteria: Ambry Variant Classification Scheme 2023. Collection method: clinical testing. Allele origin: germline.

Literature cited by the submitters: PubMed 31686314 (cited by 3 submitters).